The following is an entry in ClinVar:

NM_001048174.2(MUTYH):c.1549A>G (p.Asn517Asp)

Gene: MUTYH (mutY DNA glycosylase; minus strand). Cytogenetic location: 1p34.1.
Variant type: single nucleotide variant.
Coding change: c.1549A>G on transcript NM_001048174.2 (MANE Select); coding-DNA position 1549, A replaced by G.
Protein change: p.Asn517Asp; replaces asparagine 517 with aspartic acid.
Molecular consequence: missense variant. On other transcripts: non-coding transcript variant (2).
Genome position (GRCh38, 1-based): chr1:45,329,323, T>C on the plus strand (A>G on the coding strand, the complement: MUTYH is on the minus strand). VCF-style: chr1-45329323-T-C. GRCh37 (hg19) VCF-style: chr1-45794995-T-C.
Other names: c.1549A>G, p.Asn517Asp (NM_001048171.2, NM_001048173.2, NM_001293195.2); c.1552A>G, p.Asn518Asp (NM_001048172.2); c.1633A>G, p.Asn545Asp (NM_001128425.2); c.1594A>G, p.Asn532Asp (NM_001293190.2); c.1582A>G, p.Asn528Asp (NM_001293191.2); c.1273A>G, p.Asn425Asp (NM_001293192.2, NM_001293196.2); c.1204A>G, p.Asn402Asp (NM_001350650.2, NM_001350651.2); c.1624A>G, p.Asn542Asp (NM_012222.3); and 1 more; short protein forms N518D, N528D, N545D, N517D, N532D, N402D, N425D, N542D.
Identifiers: ClinVar variation 1354412 (VCV001354412.7), dbSNP rs2149087458, ClinGen allele CA340131519.

ClinVar aggregate classification (germline): Uncertain significance. Review status: criteria provided, multiple submitters, no conflicts (2 of 4 stars). 2 submissions from 2 submitters: Uncertain significance (2). Last evaluated 2025-08-27.

Conditions:
Hereditary cancer-predisposing syndrome. Also called: Neoplastic Syndromes, Hereditary; Tumor predisposition; Hereditary Cancer Syndrome; Hereditary neoplastic syndrome. Identifiers: Orphanet 140162, MedGen C0027672, MeSH D009386, MONDO:0015356.
Familial adenomatous polyposis 2. Also called: MYH-associated polyposis; FAP type 2; MUTYH-associated polyposis; MUTYH-related attenuated familial adenomatous polyposis; Adenomas, multiple colorectal; COLORECTAL ADENOMATOUS POLYPOSIS, AUTOSOMAL RECESSIVE. Identifiers: Orphanet 220460, Orphanet 247798, MedGen C3272841, MONDO:0012041, OMIM 608456.

Submissions (2):

Ambry Genetics
Classification: Uncertain significance for Hereditary cancer-predisposing syndrome. Last evaluated: 2025-08-27. Review status: criteria provided, single submitter. Criteria: Ambry Variant Classification Scheme 2023. Collection method: clinical testing. Allele origin: germline.
Comment: The p.N545D variant (also known as c.1633A>G), located in coding exon 16 of the MUTYH gene, results from an A to G substitution at nucleotide position 1633. The asparagine at codon 545 is replaced by aspartic acid, an amino acid with highly similar properties. This amino acid position is conserved. In addition, this alteration is predicted to be tolerated by in silico analysis. Based on the available evidence, the clinical significance of this variant remains unclear.

Labcorp Genetics (formerly Invitae), Labcorp
Classification: Uncertain significance for Familial adenomatous polyposis 2. Last evaluated: 2024-07-04. Review status: criteria provided, single submitter. Criteria: Invitae Variant Classification Sherloc (09022015). Collection method: clinical testing. Allele origin: germline.
Comment: This sequence change replaces asparagine, which is neutral and polar, with aspartic acid, which is acidic and polar, at codon 545 of the MUTYH protein (p.Asn545Asp). This variant is not present in population databases (gnomAD no frequency). This variant has not been reported in the literature in individuals affected with MUTYH-related conditions. ClinVar contains an entry for this variant (Variation ID: 1354412). Algorithms developed to predict the effect of missense changes on protein structure and function output the following: SIFT: "Not Available"; PolyPhen-2: "Benign"; Align-GVGD: "Not Available". The aspartic acid amino acid residue is found in multiple mammalian species, which suggests that this missense change does not adversely affect protein function. In summary, the available evidence is currently insufficient to determine the role of this variant in disease. Therefore, it has been classified as a Variant of Uncertain Significance.